The following is an entry in ClinVar:

NM_000553.6(WRN):c.528C>A (p.Ser176Arg)

Gene: WRN (WRN RecQ like helicase; plus strand). Cytogenetic location: 8p12.
Variant type: single nucleotide variant.
Coding change: c.528C>A on transcript NM_000553.6 (MANE Select); coding-DNA position 528, C replaced by A.
Protein change: p.Ser176Arg; replaces serine 176 with arginine.
Molecular consequence: missense variant.
Genome position (GRCh38, 1-based): chr8:31,067,056, C>A. VCF-style: chr8-31067056-C-A. GRCh37 (hg19) VCF-style: chr8-30924572-C-A.
Other names: short protein forms S176R.
Identifiers: ClinVar variation 528127 (VCV000528127.5), dbSNP rs1554519273, ClinGen allele CA370915927.

ClinVar aggregate classification (germline): Uncertain significance (1 of 4 stars; one submission).

Conditions:
Werner syndrome (WRN). Identifiers: Orphanet 902, MedGen C0043119, MONDO:0010196, OMIM 277700.

gnomAD v4.1: 6 of 1,613,830 alleles (0.00037%); highest among the groups gnomAD compares: Non-Finnish European, 0.00051%; no homozygotes.

Submission:

Labcorp Genetics (formerly Invitae), Labcorp
Classification: Uncertain significance for Werner syndrome. Last evaluated: 2024-04-29. Review status: criteria provided, single submitter. Criteria: Invitae Variant Classification Sherloc (09022015). Collection method: clinical testing. Allele origin: germline.
Comment: This sequence change replaces serine, which is neutral and polar, with arginine, which is basic and polar, at codon 176 of the WRN protein (p.Ser176Arg). This variant is not present in population databases (gnomAD no frequency). This variant has not been reported in the literature in individuals affected with WRN-related conditions. ClinVar contains an entry for this variant (Variation ID: 528127). An algorithm developed to predict the effect of missense changes on protein structure and function (PolyPhen-2) suggests that this variant is likely to be disruptive. In summary, the available evidence is currently insufficient to determine the role of this variant in disease. Therefore, it has been classified as a Variant of Uncertain Significance.